The following is an entry in ClinVar:

ClinVar aggregate classification (germline): Uncertain significance (1 of 4 stars; one submission).

Conditions:
Mendelian susceptibility to mycobacterial diseases due to complete IL12RB1 deficiency. Also called: IL12RB1 DEFICIENCY; Immunodeficiency 30. Identifiers: Orphanet 319552, MedGen C4013949, MONDO:0013955, OMIM 614891.

Allele frequency attached by ClinVar (database versions not stated): ExAC 0.00001.
gnomAD v4.1: 32 of 1,609,574 alleles (0.002%); highest among the groups gnomAD compares: Admixed American, 0.005%; no homozygotes.

Submission:

Labcorp Genetics (formerly Invitae), Labcorp
Classification: Uncertain significance for Mendelian susceptibility to mycobacterial diseases due to complete IL12RB1 deficiency. Last evaluated: 2025-07-30. Review status: criteria provided, single submitter. Criteria: Invitae Variant Classification Sherloc (09022015). Collection method: clinical testing. Allele origin: germline.
Comment: This sequence change falls in intron 12 of the IL12RB1 gene. It does not directly change the encoded amino acid sequence of the IL12RB1 protein. It affects a nucleotide within the consensus splice site. This variant is present in population databases (rs574126894, gnomAD 0.009%). This variant has not been reported in the literature in individuals affected with IL12RB1-related conditions. ClinVar contains an entry for this variant (Variation ID: 2862552). Variants that disrupt the consensus splice site are a relatively common cause of aberrant splicing (PMID: 17576681, 9536098). Algorithms developed to predict the effect of sequence changes on RNA splicing suggest that this variant is not likely to affect RNA splicing. In summary, the available evidence is currently insufficient to determine the role of this variant in disease. Therefore, it has been classified as a Variant of Uncertain Significance.

Literature cited by the submitters: PubMed 17576681; PubMed 9536098.

NM_005535.3(IL12RB1):c.1483+5G>A

Gene: IL12RB1 (interleukin 12 receptor subunit beta 1; minus strand). Cytogenetic location: 19p13.11.
Variant type: single nucleotide variant.
Coding change: c.1483+5G>A on transcript NM_005535.3 (MANE Select); 5 bases into the intron after coding-DNA position 1483, G replaced by A.
Molecular consequence: intron variant.
Genome position (GRCh38, 1-based): chr19:18,066,537, C>T on the plus strand (G>A on the coding strand, the complement: IL12RB1 is on the minus strand). VCF-style: chr19-18066537-C-T. GRCh37 (hg19) VCF-style: chr19-18177347-C-T.
Other names: c.1603+5G>A (NM_001290024.2); c.1483+5G>A (NM_001290023.2); c.1504+5G>A (NM_001440425.1, NM_001440424.1).
Identifiers: ClinVar variation 2862552 (VCV002862552.3), dbSNP rs574126894, ClinGen allele CA9304822.